The following is an entry in ClinVar:

ClinVar aggregate classification (germline): Uncertain significance (1 of 4 stars; one submission).

Submission:

Ambry Genetics
Classification: Uncertain significance. Last evaluated: 2026-02-17. Review status: criteria provided, single submitter. Criteria: Ambry Variant Classification Scheme 2023. Collection method: clinical testing. Allele origin: germline.
Comment: The c.12557C>A (p.P4186H) alteration is located in exon 7 (coding exon 7) of the AHNAK2 gene. This alteration results from a C to A substitution at nucleotide position 12557, causing the proline (P) at amino acid position 4186 to be replaced by a histidine (H). Based on data from gnomAD, the A allele has an overall frequency of <0.001% (0/248888) total alleles studied. The highest observed frequency was <0.001% (/) of alleles. Based on insufficient or conflicting evidence, the clinical significance of this alteration remains unclear.

NM_138420.4(AHNAK2):c.12557C>A (p.Pro4186His)

Gene: AHNAK2 (AHNAK nucleoprotein 2; minus strand). Cytogenetic location: 14q32.33.
Variant type: single nucleotide variant.
Coding change: c.12557C>A on transcript NM_138420.4 (MANE Select); coding-DNA position 12557, C replaced by A.
Protein change: p.Pro4186His; replaces proline 4186 with histidine.
Molecular consequence: missense variant.
Genome position (GRCh38, 1-based): chr14:104,942,894, G>T on the plus strand (C>A on the coding strand, the complement: AHNAK2 is on the minus strand). VCF-style: chr14-104942894-G-T. GRCh37 (hg19) VCF-style: chr14-105409231-G-T.
Other names: c.12257C>A, p.Pro4086His (NM_001350929.2); short protein forms P4086H, P4186H.
Identifiers: ClinVar variation 4840204 (VCV004840204.1).